The following is an entry in ClinVar:

NM_001377.3(DYNC2H1):c.4511C>T (p.Ala1504Val)

Gene: DYNC2H1 (dynein cytoplasmic 2 heavy chain 1; plus strand). Cytogenetic location: 11q22.3.
Variant type: single nucleotide variant.
Coding change: c.4511C>T on transcript NM_001377.3 (MANE Select); coding-DNA position 4511, C replaced by T.
Protein change: p.Ala1504Val; replaces alanine 1504 with valine.
Molecular consequence: missense variant.
Genome position (GRCh38, 1-based): chr11:103,163,047, C>T. VCF-style: chr11-103163047-C-T. GRCh37 (hg19) VCF-style: chr11-103033776-C-T.
Other names: c.4511C>T, p.Ala1504Val (NM_001080463.2); short protein forms A1504V.
Identifiers: ClinVar variation 1992619 (VCV001992619.4), dbSNP rs2497097338, ClinGen allele CA382239070.

ClinVar aggregate classification (germline): Uncertain significance (1 of 4 stars; one submission).

Conditions:
Jeune thoracic dystrophy. Also called: Jeune syndrome; Infantile thoracic dystrophy; Thoracic pelvic phalangeal dystrophy; Jeune's syndrome; Chondroectodermal dysplasia-like syndrome; Short-rib thoracic dysplasia. Identifiers: Orphanet 474, MedGen C0265275, MONDO:0018770.

Submission:

Labcorp Genetics (formerly Invitae), Labcorp
Classification: Uncertain significance for Jeune thoracic dystrophy. Last evaluated: 2022-11-01. Review status: criteria provided, single submitter. Criteria: Invitae Variant Classification Sherloc (09022015). Collection method: clinical testing. Allele origin: germline.
Comment: This variant has not been reported in the literature in individuals affected with DYNC2H1-related conditions. This sequence change replaces alanine, which is neutral and non-polar, with valine, which is neutral and non-polar, at codon 1504 of the DYNC2H1 protein (p.Ala1504Val). This variant is not present in population databases (gnomAD no frequency). Advanced modeling of protein sequence and biophysical properties (such as structural, functional, and spatial information, amino acid conservation, physicochemical variation, residue mobility, and thermodynamic stability) performed at Invitae indicates that this missense variant is not expected to disrupt DYNC2H1 protein function. In summary, the available evidence is currently insufficient to determine the role of this variant in disease. Therefore, it has been classified as a Variant of Uncertain Significance.